The following is an entry in ClinVar:

NM_201596.3(CACNB2):c.1707G>C (p.Glu569Asp)

Gene: CACNB2 (calcium voltage-gated channel auxiliary subunit beta 2; plus strand). Cytogenetic location: 10p12.31.
Variant type: single nucleotide variant.
Coding change: c.1707G>C on transcript NM_201596.3 (MANE Select); coding-DNA position 1707, G replaced by C.
Protein change: p.Glu569Asp; replaces glutamic acid 569 with aspartic acid.
Molecular consequence: missense variant.
Genome position (GRCh38, 1-based): chr10:18,539,448, G>C. VCF-style: chr10-18539448-G-C. GRCh37 (hg19) VCF-style: chr10-18828377-G-C.
Other names: c.1593G>C, p.Glu531Asp (NM_201593.3); c.1635G>C, p.Glu545Asp (NM_201597.3); c.1542G>C, p.Glu514Asp (NM_000724.4); c.1509G>C, p.Glu503Asp (NM_001167945.2); c.1428G>C, p.Glu476Asp (NM_001330060.2); c.1449G>C, p.Glu483Asp (NM_001410882.1); c.1563G>C, p.Glu521Asp (NM_201570.3); c.1623G>C, p.Glu541Asp (NM_201571.4); and 2 more; short protein forms E515D, E517D, E483D, E503D, E541D, E545D, E476D, E514D.
Identifiers: ClinVar variation 4844191 (VCV004844191.1).

ClinVar aggregate classification (germline): Uncertain significance (1 of 4 stars; one submission).

Conditions:
Cardiovascular phenotype. Identifiers: MedGen CN230736.

Submission:

Ambry Genetics
Classification: Uncertain significance for Cardiovascular phenotype. Last evaluated: 2026-01-17. Review status: criteria provided, single submitter. Criteria: Ambry Variant Classification Scheme 2023. Collection method: clinical testing. Allele origin: germline.
Comment: The p.E515D variant (also known as c.1545G>C), located in coding exon 13 of the CACNB2 gene, results from a G to C substitution at nucleotide position 1545. The glutamic acid at codon 515 is replaced by aspartic acid, an amino acid with highly similar properties. This amino acid position is conserved. In addition, this alteration is predicted to be tolerated by in silico analysis. Based on the available evidence, the clinical significance of this variant remains unclear.